The following is an entry in ClinVar:

NM_022552.5(DNMT3A):c.2549T>C (p.Val850Ala)

Gene: DNMT3A (DNA methyltransferase 3 alpha; minus strand). Cytogenetic location: 2p23.3.
Variant type: single nucleotide variant.
Coding change: c.2549T>C on transcript NM_022552.5 (MANE Select); coding-DNA position 2549, T replaced by C.
Protein change: p.Val850Ala; replaces valine 850 with alanine.
Molecular consequence: missense variant. On other transcripts: non-coding transcript variant (1).
Genome position (GRCh38, 1-based): chr2:25,235,755, A>G on the plus strand (T>C on the coding strand, the complement: DNMT3A is on the minus strand). VCF-style: chr2-25235755-A-G. GRCh37 (hg19) VCF-style: chr2-25458624-A-G.
Other names: c.2093T>C, p.Val698Ala (NM_001320893.1); c.1880T>C, p.Val627Ala (NM_001375819.1); c.1982T>C, p.Val661Ala (NM_153759.3); c.2549T>C, p.Val850Ala (NM_175629.2); short protein forms V661A, V698A, V627A, V850A.
Identifiers: ClinVar variation 4617771 (VCV004617771.1).

ClinVar aggregate classification (germline): Uncertain significance (1 of 4 stars; one submission).

Conditions:
Inborn genetic diseases. Identifiers: MedGen C0950123, MeSH D030342.

Submission:

Ambry Genetics
Classification: Uncertain significance for Inborn genetic diseases. Last evaluated: 2025-10-25. Review status: criteria provided, single submitter. Criteria: Ambry Variant Classification Scheme 2023. Collection method: clinical testing. Allele origin: germline.
Comment: The p.V850A variant (also known as c.2549T>C), located in coding exon 21 of the DNMT3A gene, results from a T to C substitution at nucleotide position 2549. The valine at codon 850 is replaced by alanine, an amino acid with similar properties. This amino acid position is conserved. In addition, this alteration is predicted to be deleterious by in silico analysis. Based on the available evidence, the clinical significance of this variant remains unclear.